The following is an entry in ClinVar:

ClinVar aggregate classification (germline): Uncertain significance (1 of 4 stars; one submission).

Conditions:
Arrhinia with choanal atresia and microphthalmia syndrome. Also called: ARHINIA, CHOANAL ATRESIA, MICROPHTHALMIA, AND HYPOGONADOTROPIC HYPOGONADISM; Arrhinia-choanal atresia-microphthalmia syndrome; Arhinia, choanal atresia, and microphthalmia. Identifiers: Orphanet 1135, Orphanet 2250, MedGen C1863878, MONDO:0011323, OMIM 603457.

Allele frequency attached by ClinVar (database versions not stated): gnomAD exomes below 0.00001.

Submission:

Centre for Mendelian Genomics, University Medical Centre Ljubljana
Classification: Uncertain significance for Arrhinia with choanal atresia and microphthalmia syndrome. Last evaluated: 2019-08-14. Review status: criteria provided, single submitter. Criteria: ACMG Guidelines, 2015. Collection method: clinical testing. Allele origin: unknown. Affected: yes.
Comment: This variant was classified as: Uncertain significance. The available evidence on this variant's pathogenicity is insufficient or conflicting. The following ACMG criteria were applied in classifying this variant: PM2,BP4.

NM_015295.3(SMCHD1):c.2972G>A (p.Ser991Asn)

Gene: SMCHD1 (structural maintenance of chromosomes flexible hinge domain containing 1; plus strand). Cytogenetic location: 18p11.32.
Variant type: single nucleotide variant.
Coding change: c.2972G>A on transcript NM_015295.3 (MANE Select); coding-DNA position 2972, G replaced by A.
Protein change: p.Ser991Asn; replaces serine 991 with asparagine.
Molecular consequence: missense variant.
Genome position (GRCh38, 1-based): chr18:2,729,333, G>A. VCF-style: chr18-2729333-G-A. GRCh37 (hg19) VCF-style: chr18-2729331-G-A.
Other names: short protein forms S991N.
Identifiers: ClinVar variation 931674 (VCV000931674.3), dbSNP rs2075090484, ClinGen allele CA401684054.